The following is an entry in ClinVar:

ClinVar aggregate classification (germline): Likely benign (1 of 4 stars; one submission).

Conditions:
Joubert syndrome 17 (JBTS17). Identifiers: Orphanet 475, MedGen C3553264, MONDO:0013824, OMIM 614615.

Allele frequency attached by ClinVar (database versions not stated): gnomAD exomes 0.00044; 1000 Genomes Project 0.00559; gnomAD 0.00597 and 0.00638; 1000 Genomes Project 30x 0.00625; TOPMed 0.00676.
gnomAD v4.1: 1,279 of 990,544 alleles (0.13%); highest among the groups gnomAD compares: African/African-American, 2%; 12 homozygotes.

Submission:

Illumina Laboratory Services, Illumina
Classification: Likely benign for Joubert syndrome 17. Last evaluated: 2018-01-12. Review status: criteria provided, single submitter. Criteria: ICSL Variant Classification Criteria 13 December 2019. Collection method: clinical testing. Allele origin: germline.
Comment: This variant was observed in the ICSL laboratory as part of a predisposition screen in an ostensibly healthy population. It had not been previously curated by ICSL or reported in the Human Gene Mutation Database (HGMD: prior to June 1st, 2018), and was therefore a candidate for classification through an automated scoring system. Utilizing variant allele frequency, disease prevalence and penetrance estimates, and inheritance mode, an automated score was calculated to assess if this variant is too frequent to cause the disease. Based on the score and internal cut-off values, a variant classified as likely benign is not then subjected to further curation. The score for this variant resulted in a classification of likely benign for this disease.

NM_001384732.1(CPLANE1):c.*396T>C

Gene: CPLANE1 (ciliogenesis and planar polarity effector complex subunit 1; minus strand). Cytogenetic location: 5p13.2.
Variant type: single nucleotide variant.
Coding change: c.*396T>C on transcript NM_001384732.1 (MANE Select); 396 bases downstream of the stop codon, T replaced by C.
Molecular consequence: 3 prime UTR variant.
Genome position (GRCh38, 1-based): chr5:37,107,206, A>G on the plus strand (T>C on the coding strand, the complement: CPLANE1 is on the minus strand). VCF-style: chr5-37107206-A-G. GRCh37 (hg19) VCF-style: chr5-37107308-A-G.
Other names: c.*396T>C (NM_023073.4).
Identifiers: ClinVar variation 353411 (VCV000353411.5), dbSNP rs115541718, ClinGen allele CA10624629.